The following is an entry in ClinVar:

ClinVar aggregate classification (germline): Uncertain significance. Review status: criteria provided, multiple submitters, no conflicts (2 of 4 stars). 3 submissions from 3 submitters: Uncertain significance (2). 1 of the submissions does not count toward it. Last evaluated 2023-10-07.

Conditions:
Hereditary nonpolyposis colorectal neoplasms. Identifiers: MedGen C0009405, MeSH D003123.
Lynch syndrome 5 (LYNCH5). Also called: Colorectal cancer, hereditary nonpolyposis, type 5; Hereditary non-polyposis colorectal cancer, type 5. Identifiers: Orphanet 144, MedGen C1833477, MONDO:0013710, OMIM 614350. Disease mechanism: loss of function.

Allele frequency attached by ClinVar (database versions not stated): TOPMed below 0.00001; gnomAD 0.00001.
gnomAD v4.1: 3 of 1,611,868 alleles (0.00019%); highest among the groups gnomAD compares: African/African-American, 0.0027%; no homozygotes.

Submissions (3):

Labcorp Genetics (formerly Invitae), Labcorp
Classification: Uncertain significance for Hereditary nonpolyposis colorectal neoplasms. Last evaluated: 2023-10-07. Review status: criteria provided, single submitter. Criteria: Invitae Variant Classification Sherloc (09022015). Collection method: clinical testing. Allele origin: germline.
Comment: This sequence change falls in intron 2 of the MSH6 gene. It does not directly change the encoded amino acid sequence of the MSH6 protein. This variant is not present in population databases (gnomAD no frequency). This variant has not been reported in the literature in individuals affected with MSH6-related conditions. ClinVar contains an entry for this variant (Variation ID: 548843). Studies have shown that this variant is associated with altered splicing resulting in unknown protein product impact (Invitae). In summary, the available evidence is currently insufficient to determine the role of this variant in disease. Therefore, it has been classified as a Variant of Uncertain Significance.

Myriad Genetics, Inc.
Classification: Uncertain significance for Lynch syndrome 5. Last evaluated: 2023-03-27. Review status: criteria provided, single submitter. Criteria: Myriad Autosomal Dominant, Autosomal Recessive and X-Linked Classification Criteria (2023). Collection method: clinical testing. Allele origin: unknown.
Comment: This variant is classified as a variant of uncertain significance as there is insufficient evidence to determine its impact on protein function and/or cancer risk.

Counsyl
Classification: Uncertain significance for Lynch syndrome 5. Last evaluated: 2018-01-18. Review status: no assertion criteria provided. Collection method: clinical testing. Allele origin: unknown. Not counted in ClinVar's aggregate classification.

NM_000179.3(MSH6):c.458-13C>G

Gene: MSH6 (mutS homolog 6; plus strand). Cytogenetic location: 2p16.3.
Variant type: single nucleotide variant.
Coding change: c.458-13C>G on transcript NM_000179.3 (MANE Select); 13 bases into the intron before coding-DNA position 458, C replaced by G.
Molecular consequence: intron variant.
Genome position (GRCh38, 1-based): chr2:47,795,881, C>G. VCF-style: chr2-47795881-C-G. GRCh37 (hg19) VCF-style: chr2-48023020-C-G.
Other names: c.-279-2730C>G (NM_001281493.2); c.238-2730C>G (NM_001281492.2); c.-445-13C>G (NM_001281494.2).
Identifiers: ClinVar variation 548843 (VCV000548843.11), dbSNP rs1057522695, ClinGen allele CA658823255.